The following is an entry in ClinVar:

ClinVar aggregate classification (germline): Likely pathogenic (1 of 4 stars; one submission).

Submission:

GeneDx
Classification: Likely pathogenic. Last evaluated: 2016-03-12. Review status: criteria provided, single submitter. Criteria: GeneDx Variant Classification (06012015). Collection method: clinical testing. Allele origin: germline. Affected: yes.
Comment: The P4373S variant in the KMT2C gene has not been reported previously as a pathogenic variant, nor as a benign variant, to our knowledge. The P4373S variant was not observed in approximately 6,500 individuals of European and African American ancestry in the NHLBI Exome Sequencing Project, indicating it is not a common benign variant in these populations. The P4373S variant is a non-conservative amino acid substitution, which is likely to impact secondary protein structure as these residues differ in polarity, charge, size and/or other properties. This substitution occurs at a position that is conserved in mammals. In silico analysis is inconsistent in its predictions as to whether or not the variant is damaging to the protein structure/function. Therefore, we interpret P4373S as a likely pathogenic variant.

NM_170606.3(KMT2C):c.13117C>T (p.Pro4373Ser)

Gene: KMT2C (lysine methyltransferase 2C; minus strand). Cytogenetic location: 7q36.1.
Variant type: single nucleotide variant.
Coding change: c.13117C>T on transcript NM_170606.3 (MANE Select); coding-DNA position 13117, C replaced by T.
Protein change: p.Pro4373Ser; replaces proline 4373 with serine.
Molecular consequence: missense variant.
Genome position (GRCh38, 1-based): chr7:152,148,810, G>A on the plus strand (C>T on the coding strand, the complement: KMT2C is on the minus strand). VCF-style: chr7-152148810-G-A. GRCh37 (hg19) VCF-style: chr7-151845895-G-A.
Other names: short protein forms P4373S.
Identifiers: ClinVar variation 384653 (VCV000384653.2), dbSNP rs1057522023, ClinGen allele CA16605296.